The following is an entry in ClinVar:

NM_198173.3(GRHL3):c.899G>A (p.Trp300Ter)

Gene: GRHL3 (grainyhead like transcription factor 3; plus strand). Cytogenetic location: 1p36.11.
Variant type: single nucleotide variant.
Coding change: c.899G>A on transcript NM_198173.3 (MANE Select); coding-DNA position 899, G replaced by A.
Protein change: p.Trp300Ter; replaces tryptophan 300 with a stop codon.
Molecular consequence: nonsense.
Genome position (GRCh38, 1-based): chr1:24,338,050, G>A. VCF-style: chr1-24338050-G-A. GRCh37 (hg19) VCF-style: chr1-24664540-G-A.
Other names: c.761G>A, p.Trp254Ter (NM_001195010.2); c.914G>A, p.Trp305Ter (NM_021180.4); c.899G>A, p.Trp300Ter (NM_198174.3); short protein forms W254*, W300*, W305*.
Identifiers: ClinVar variation 465251 (VCV000465251.6), dbSNP rs1553172687, ClinGen allele CA339045920.

ClinVar aggregate classification (germline): Pathogenic (1 of 4 stars; one submission).

Conditions:
Van der Woude syndrome 2 (VWS2). Identifiers: Orphanet 888, MedGen C1847604, MONDO:0011712, OMIM 606713.

Submission:

Labcorp Genetics (formerly Invitae), Labcorp
Classification: Pathogenic for Van der Woude syndrome 2. Last evaluated: 2017-06-22. Review status: criteria provided, single submitter. Criteria: Invitae Variant Classification Sherloc (09022015). Collection method: clinical testing. Allele origin: germline.
Comment: This sequence change creates a premature translational stop signal at codon 254 (p.Trp254*) of the GRHL3 gene. It is expected to result in an absent or disrupted protein product. While this particular variant has not been reported in the literature, loss-of-function variants in GRHL3 are known to be pathogenic (PMID: 24360809). For these reasons, this variant has been classified as Pathogenic.

Literature cited by the submitters: PubMed 24360809.